The following is an entry in ClinVar:

NM_003579.4(RAD54L):c.1652A>C (p.Lys551Thr)

Gene: RAD54L (RAD54 like; plus strand). Cytogenetic location: 1p34.1.
Variant type: single nucleotide variant.
Coding change: c.1652A>C on transcript NM_003579.4 (MANE Select); coding-DNA position 1652, A replaced by C.
Protein change: p.Lys551Thr; replaces lysine 551 with threonine.
Molecular consequence: missense variant.
Genome position (GRCh38, 1-based): chr1:46,274,179, A>C. VCF-style: chr1-46274179-A-C. GRCh37 (hg19) VCF-style: chr1-46739851-A-C.
Other names: c.1652A>C, p.Lys551Thr (NM_001142548.2); c.1112A>C, p.Lys371Thr (NM_001370766.1); short protein forms K551T, K371T.
Identifiers: ClinVar variation 1777274 (VCV001777274.2), dbSNP rs781376005, ClinGen allele CA340183499.

ClinVar aggregate classification (germline): Uncertain significance (1 of 4 stars; one submission).

Allele frequency attached by ClinVar (database versions not stated): gnomAD exomes below 0.00001.
gnomAD v4.1: 1 of 1,614,082 alleles (0.000062%); highest among the groups gnomAD compares: Non-Finnish European, 0.000085%; no homozygotes.

Submission:

Ambry Genetics
Classification: Uncertain significance. Last evaluated: 2021-12-05. Review status: criteria provided, single submitter. Criteria: Ambry Variant Classification Scheme 2023. Collection method: clinical testing. Allele origin: germline.
Comment: The p.K551T variant (also known as c.1652A>C), located in coding exon 15 of the RAD54L gene, results from an A to C substitution at nucleotide position 1652. The lysine at codon 551 is replaced by threonine, an amino acid with similar properties. This amino acid position is conserved. In addition, the in silico prediction for this alteration is inconclusive. Since supporting evidence is limited at this time, the clinical significance of this alteration remains unclear.